The following is an entry in ClinVar:

NM_001267550.2(TTN):c.60787A>G (p.Thr20263Ala)

Genes: TTN (titin; minus strand), TTN-AS1 (TTN antisense RNA 1; plus strand). Cytogenetic location: 2q31.2.
Variant type: single nucleotide variant.
Coding change: c.60787A>G on transcript NM_001267550.2 (MANE Select); coding-DNA position 60787, A replaced by G.
Protein change: p.Thr20263Ala; replaces threonine 20263 with alanine.
Molecular consequence: missense variant.
Genome position (GRCh38, 1-based): chr2:178,590,938, T>C on the plus strand (A>G on the coding strand, the complement: TTN is on the minus strand). VCF-style: chr2-178590938-T-C. GRCh37 (hg19) VCF-style: chr2-179455665-T-C.
Other names: c.55864A>G, p.Thr18622Ala (NM_001256850.1); c.33592A>G, p.Thr11198Ala (NM_003319.4); c.53083A>G, p.Thr17695Ala (NM_133378.4); c.33967A>G, p.Thr11323Ala (NM_133432.3); c.34168A>G, p.Thr11390Ala (NM_133437.4); short protein forms T17695A, T20263A, T11198A, T11323A, T11390A, T18622A.
Identifiers: ClinVar variation 263575 (VCV000263575.3), dbSNP rs886038850, ClinGen allele CA10587490.

ClinVar aggregate classification (germline): Uncertain significance (1 of 4 stars; one submission).

Conditions:
Cardiovascular phenotype. Identifiers: MedGen CN230736.

Allele frequency attached by ClinVar (database versions not stated): TOPMed 0.00001 and below 0.00001; gnomAD exomes below 0.00001; gnomAD 0.00001.
gnomAD v4.1: 3 of 1,613,184 alleles (0.00019%); highest among the groups gnomAD compares: East Asian, 0.0045%; no homozygotes.

Submission:

Ambry Genetics
Classification: Uncertain significance for Cardiovascular phenotype. Last evaluated: 2013-04-04. Review status: criteria provided, single submitter. Criteria: Ambry Autosomal Dominant and X-Linked criteria (10/2015). Collection method: clinical testing. Allele origin: germline. Observed: 1 variant allele.
Comment: There is insufficient or conflicting evidence for classification of this alteration.